The following is an entry in ClinVar:

NM_000138.5(FBN1):c.7669T>C (p.Ser2557Pro)

Gene: FBN1 (fibrillin 1; minus strand). Cytogenetic location: 15q21.1.
Variant type: single nucleotide variant.
Coding change: c.7669T>C on transcript NM_000138.5 (MANE Select); coding-DNA position 7669, T replaced by C.
Protein change: p.Ser2557Pro; replaces serine 2557 with proline.
Molecular consequence: missense variant.
Genome position (GRCh38, 1-based): chr15:48,421,588, A>G on the plus strand (T>C on the coding strand, the complement: FBN1 is on the minus strand). VCF-style: chr15-48421588-A-G. GRCh37 (hg19) VCF-style: chr15-48713785-A-G.
Other names: short protein forms S2557P.
Identifiers: ClinVar variation 392209 (VCV000392209.3), dbSNP rs1057524396, ClinGen allele CA16606953.

ClinVar aggregate classification (germline): Uncertain significance (1 of 4 stars; one submission).

Submission:

GeneDx
Classification: Uncertain significance. Last evaluated: 2026-09-05. Review status: criteria provided, single submitter. Criteria: GeneDx Variant Classification Process June 2021. Collection method: clinical testing. Allele origin: germline.
Comment: Not observed at significant frequency in large population cohorts (gnomAD); In silico analysis supports that this missense variant has a deleterious effect on protein structure/function; Has not been previously published as pathogenic or benign to our knowledge; Does not affect a cysteine or calcium-binding residue within an EGF-like domain or a TGF-binding protein domain of the FBN1 gene; cysteine substitutions in the EGF-like domains represent the majority of pathogenic missense changes associated with FBN1-related disorders (PMID: 12938084); This variant is associated with the following publications: (PMID: 12938084)